The following is an entry in ClinVar:

NM_001369.3(DNAH5):c.2983G>A (p.Asp995Asn)

Genes: DNAH5 (dynein axonemal heavy chain 5; minus strand), DNAH5-AS1 (DNAH5 antisense RNA 1; plus strand). Cytogenetic location: 5p15.2.
Variant type: single nucleotide variant.
Coding change: c.2983G>A on transcript NM_001369.3 (MANE Select); coding-DNA position 2983, G replaced by A.
Protein change: p.Asp995Asn; replaces aspartic acid 995 with asparagine.
Molecular consequence: missense variant.
Genome position (GRCh38, 1-based): chr5:13,884,989, C>T on the plus strand (G>A on the coding strand, the complement: DNAH5 is on the minus strand). VCF-style: chr5-13884989-C-T. GRCh37 (hg19) VCF-style: chr5-13885098-C-T.
Other names: short protein forms D995N.
Identifiers: ClinVar variation 4848718 (VCV004848718.1).
Genomic context (GRCh38, chr5:13,884,989, plus strand): 5'-CACACATACCCCAGCAACTATGCCTGATCATCCACTAAGCAAACCACACAAGATTATTAC[C>T]CCGGAAGTTAATTGTGTGAGAGGAATGAATACGTTTGCGAATGGCCTCTAGTGTATTCCT-3'
Protein context (NP_001360.1, residues 985-1005): IHSSHTINFR[Asp995Asn]SNSASNMKQN

ClinVar aggregate classification (germline): Uncertain significance (1 of 4 stars; one submission).

Submission:

Women's Health and Genetics/Laboratory Corporation of America, LabCorp
Classification: Uncertain significance. Last evaluated: 2026-04-09. Review status: criteria provided, single submitter. Criteria: LabCorp Variant Classification Summary - May 2015. Collection method: clinical testing. Allele origin: germline.
Comment: Variant summary: DNAH5 c.2983G>A (p.Asp995Asn) results in a conservative amino acid change in the encoded protein sequence. Algorithms developed to predict the effect of missense changes on protein structure and function are either unavailable or do not agree on the potential impact of this missense change. Several computational tools predict a significant impact on normal splicing: Three predict the variant abolishes a 5' splicing donor site. However, these predictions have yet to be confirmed by functional studies. The variant was absent in 251148 control chromosomes. The available data on variant occurrences in the general population are insufficient to allow any conclusion about variant significance. To our knowledge, no occurrence of c.2983G>A in individuals affected with DNAH5-related conditions and no experimental evidence demonstrating its impact on protein function have been reported. No submitters have cited clinical-significance assessments for this variant to ClinVar. Based on the evidence outlined above, the variant was classified as uncertain significance.